The following is an entry in ClinVar:

ClinVar aggregate classification (germline): Uncertain significance (1 of 4 stars; one submission).

Conditions:
Hepatic veno-occlusive disease-immunodeficiency syndrome. Also called: Hepatic Veno-Occlusive Disease with Immunodeficiency. Identifiers: Orphanet 79124, MedGen C1856128, MONDO:0009338, OMIM 235550. Disease mechanism: loss of function.

Allele frequency attached by ClinVar (database versions not stated): gnomAD exomes below 0.00001.
gnomAD v4.1: 2 of 1,593,272 alleles (0.00013%); highest among the groups gnomAD compares: Non-Finnish European, 0.00017%; no homozygotes.

Submission:

Labcorp Genetics (formerly Invitae), Labcorp
Classification: Uncertain significance for Hepatic veno-occlusive disease-immunodeficiency syndrome. Last evaluated: 2024-02-24. Review status: criteria provided, single submitter. Criteria: Invitae Variant Classification Sherloc (09022015). Collection method: clinical testing. Allele origin: germline.
Comment: This sequence change replaces phenylalanine, which is neutral and non-polar, with leucine, which is neutral and non-polar, at codon 656 of the SP110 protein (p.Phe656Leu). This variant is present in population databases (no rsID available, gnomAD 0.0009%). This variant has not been reported in the literature in individuals affected with SP110-related conditions. ClinVar contains an entry for this variant (Variation ID: 1478693). Algorithms developed to predict the effect of missense changes on protein structure and function output the following: SIFT: "Not Available"; PolyPhen-2: "Possibly Damaging"; Align-GVGD: "Not Available". The leucine amino acid residue is found in multiple mammalian species, which suggests that this missense change does not adversely affect protein function. In summary, the available evidence is currently insufficient to determine the role of this variant in disease. Therefore, it has been classified as a Variant of Uncertain Significance.

NM_080424.4(SP110):c.2038T>C (p.Phe680Leu)

Gene: SP110 (SP110 nuclear body protein; minus strand). Cytogenetic location: 2q37.1.
Variant type: single nucleotide variant.
Coding change: c.2038T>C on transcript NM_080424.4 (MANE Select); coding-DNA position 2038, T replaced by C.
Protein change: p.Phe680Leu; replaces phenylalanine 680 with leucine.
Molecular consequence: missense variant.
Genome position (GRCh38, 1-based): chr2:230,169,228, A>G on the plus strand (T>C on the coding strand, the complement: SP110 is on the minus strand). VCF-style: chr2-230169228-A-G. GRCh37 (hg19) VCF-style: chr2-231033944-A-G.
Other names: c.2134T>C, p.Phe712Leu (NM_001378442.1); c.2116T>C, p.Phe706Leu (NM_001378443.1); c.2056T>C, p.Phe686Leu (NM_001378444.1); c.1984T>C, p.Phe662Leu (NM_001378445.1); c.1843T>C, p.Phe615Leu (NM_001378446.1); c.1966T>C, p.Phe656Leu (NM_004509.5); short protein forms F615L, F656L, F662L, F706L, F686L, F712L, F680L.
Identifiers: ClinVar variation 1478693 (VCV001478693.5), dbSNP rs1371302119, ClinGen allele CA350896428.